The following is an entry in ClinVar:

NM_001430.5(EPAS1):c.-140G>A

Genes: EPAS1 (endothelial PAS domain protein 1; plus strand), LOC129933655 (ATAC-STARR-seq lymphoblastoid silent region 11447; plus strand). Cytogenetic location: 2p21.
Variant type: single nucleotide variant.
Coding change: c.-140G>A on transcript NM_001430.5 (MANE Select); 140 bases upstream of the start codon, G replaced by A.
Molecular consequence: 5 prime UTR variant.
Genome position (GRCh38, 1-based): chr2:46,297,772, G>A. VCF-style: chr2-46297772-G-A. GRCh37 (hg19) VCF-style: chr2-46524911-G-A.
Identifiers: ClinVar variation 336227 (VCV000336227.30), dbSNP rs147597862, ClinGen allele CA10615605.
Genomic context (GRCh38, chr2:46,297,772, plus strand): 5'-ACCTTTCTCCACCCCCGCCCCCGCACCTAGCCCGCCGCGCGCCACCTTCCACCTGACTGC[G>A]CGGGGCGCTCGGGACCTGCGCGCACCTCGGACCTTCACCACCCGCCCGGGCCGCGGGGAG-3'

ClinVar aggregate classification (germline): Benign. Review status: criteria provided, multiple submitters, no conflicts (2 of 4 stars). 3 submissions from 3 submitters: Benign (3). Last evaluated 2023-02-01.

Conditions:
Erythrocytosis, familial, 4 (ECYT4). Identifiers: Orphanet 247511, MedGen C2673187, MONDO:0012729, OMIM 611783.

Allele frequency attached by ClinVar (database versions not stated): gnomAD 0.00873 and 0.00890; 1000 Genomes Project 0.00899; 1000 Genomes Project 30x 0.00921; TOPMed 0.00965.
gnomAD v4.1: 12,333 of 1,186,674 alleles (1%); highest among the groups gnomAD compares: Middle Eastern, 2%; 97 homozygotes.

Submissions (3):

CeGaT Center for Human Genetics Tuebingen
Classification: Benign. Last evaluated: 2023-02-01. Review status: criteria provided, single submitter. Criteria: CeGaT Center For Human Genetics Tuebingen Variant Classification Criteria Version 2. Collection method: clinical testing. Allele origin: germline. Affected: yes. Observed: 5 variant alleles.
Comment: EPAS1: BS1, BS2

Illumina Laboratory Services, Illumina
Classification: Benign for Erythrocytosis, familial, 4. Last evaluated: 2018-01-12. Review status: criteria provided, single submitter. Criteria: ICSL Variant Classification Criteria 13 December 2019. Collection method: clinical testing. Allele origin: germline.
Comment: This variant was observed in the ICSL laboratory as part of a predisposition screen in an ostensibly healthy population. It had not been previously curated by ICSL or reported in the Human Gene Mutation Database (HGMD: prior to June 1st, 2018), and was therefore a candidate for classification through an automated scoring system. Utilizing variant allele frequency, disease prevalence and penetrance estimates, and inheritance mode, an automated score was calculated to assess if this variant is too frequent to cause the disease. Based on the score and internal cut-off values, a variant classified as benign is not then subjected to further curation. The score for this variant resulted in a classification of benign for this disease.

Breakthrough Genomics
Classification: Benign. Review status: criteria provided, single submitter. Criteria: ACMG Guidelines, 2015. Collection method: not provided. Allele origin: germline. Inheritance: Autosomal dominant inheritance. Affected: yes.